The following is an entry in ClinVar:

ClinVar aggregate classification (germline): Uncertain significance. Review status: criteria provided, single submitter (1 of 4 stars). 2 submissions from 2 submitters: Uncertain significance (1). 1 of the submissions does not count toward it. Last evaluated 2022-06-14.

Conditions:
APPL1-related disorder. Also called: APPL1-related condition.

Allele frequency attached by ClinVar (database versions not stated): gnomAD exomes 0.00001; ExAC 0.00004; 1000 Genomes Project 30x 0.00016; 1000 Genomes Project 0.00020.
gnomAD v4.1: 14 of 1,609,632 alleles (0.00087%); highest among the groups gnomAD compares: East Asian, 0.02%; no homozygotes.

Submissions (2):

Labcorp Genetics (formerly Invitae), Labcorp
Classification: Uncertain significance. Last evaluated: 2022-06-14. Review status: criteria provided, single submitter. Criteria: Invitae Variant Classification Sherloc (09022015). Collection method: clinical testing. Allele origin: germline.
Comment: In summary, the available evidence is currently insufficient to determine the role of this variant in disease. Therefore, it has been classified as a Variant of Uncertain Significance. This sequence change replaces methionine, which is neutral and non-polar, with leucine, which is neutral and non-polar, at codon 213 of the APPL1 protein (p.Met213Leu). This variant is present in population databases (rs548416830, gnomAD 0.04%). This variant has not been reported in the literature in individuals affected with APPL1-related conditions. Algorithms developed to predict the effect of missense changes on protein structure and function (SIFT, PolyPhen-2, Align-GVGD) all suggest that this variant is likely to be tolerated.

PreventionGenetics, part of Exact Sciences
Classification: Uncertain significance for APPL1-related condition. Last evaluated: 2024-09-15. Review status: no assertion criteria provided. Collection method: clinical testing. Allele origin: germline. Not counted in ClinVar's aggregate classification.
Comment: The APPL1 c.637A>C variant is predicted to result in the amino acid substitution p.Met213Leu. To our knowledge, this variant has not been reported in the literature. This variant is reported in 0.038% of alleles in individuals of East Asian descent in gnomAD. At this time, the clinical significance of this variant is uncertain due to the absence of conclusive functional and genetic evidence.

NM_012096.3(APPL1):c.637A>C (p.Met213Leu)

Gene: APPL1 (adaptor protein, phosphotyrosine interacting with PH domain and leucine zipper 1; plus strand). Cytogenetic location: 3p14.3.
Variant type: single nucleotide variant.
Coding change: c.637A>C on transcript NM_012096.3 (MANE Select); coding-DNA position 637, A replaced by C.
Protein change: p.Met213Leu; replaces methionine 213 with leucine.
Molecular consequence: missense variant.
Genome position (GRCh38, 1-based): chr3:57,247,410, A>C. VCF-style: chr3-57247410-A-C. GRCh37 (hg19) VCF-style: chr3-57281438-A-C.
Other names: c.637A>C (NM_012096.2); short protein forms M213L.
Identifiers: ClinVar variation 2188304 (VCV002188304.5), dbSNP rs548416830, ClinGen allele CA2463581.
Genomic context (GRCh38, chr3:57,247,410, plus strand): 5'-ATCTATTTTTGTATTGTTCAATTCCCCCCACTCCCCACTCTCCAGATAAGTTTCTTTAAG[A>C]TGGGTTCTGAAAATCTTAATGAACAACTGGAAGAATTTTTAGCTAATATTGGAACAAGCG-3'
Protein context (NP_036228.1, residues 203-223): YMQAQISFFK[Met213Leu]GSENLNEQLE